The following is an entry in ClinVar:

ClinVar aggregate classification (germline): Likely pathogenic (1 of 4 stars; one submission).

Conditions:
Cohen syndrome (COH1). Also called: PEPPER SYNDROME; Cutis verticis gyrata, retinitis pigmentosa, and sensorineural deafness. Identifiers: Orphanet 193, MedGen C0265223, MONDO:0008999, OMIM 216550.

Submission:

Natera, Inc.
Classification: Likely pathogenic for Cohen syndrome. Last evaluated: 2025-07-28. Review status: criteria provided, single submitter. Criteria: Natera Variant Classification Schema (03/2026). Collection method: clinical testing. Allele origin: germline.
Comment: The c.10053_10054del variant in VPS13B is a frameshift variant predicted to shift the reading frame beginning at codon 3352 and leads to a stop codon 36 codons downstream. This variant is expected to result in nonsense mediated decay, truncation, or a dysfunctional protein product. This variant is rare in the general population with a frequency below the threshold expected for the associated phenotype(s). Given the available evidence, this variant is classified as Likely Pathogenic.

NM_152564.5(VPS13B):c.9978_9979del (p.Asp3327fs)

Gene: VPS13B (vacuolar protein sorting 13 homolog B; plus strand). Cytogenetic location: 8q22.2.
Variant type: Deletion.
Coding change: c.9978_9979del on transcript NM_152564.5 (MANE Select); coding-DNA positions 9978 to 9979, 2 bases deleted (GG; older notation c.9978_9979delGG).
Protein change: p.Asp3327fs; shifts the reading frame from aspartic acid 3327.
Molecular consequence: frameshift variant.
Genome position (GRCh38, 1-based): chr8:99,848,811-99,848,812, GG deleted. VCF-style (leftmost placement, unchanged base first): chr8-99848810-TGG-T. GRCh37 (hg19) VCF-style: chr8-100861038-TGG-T.
Other names: c.10053_10054delGG, p.Asp3352Cysfs (NM_017890.4); c.10053_10054del, p.Asp3352fs (NM_017890.5); short protein forms D3327fs, D3352fs.
Identifiers: ClinVar variation 4815919 (VCV004815919.1).